The following is an entry in ClinVar:

ClinVar aggregate classification (germline): Uncertain significance. Review status: criteria provided, single submitter (1 of 4 stars). 2 submissions from 2 submitters: Uncertain significance (1). 1 of the submissions does not count toward it. Last evaluated 2021-05-01.

Conditions:
Oculodentodigital dysplasia (ODDD). Also called: ODD SYNDROME; Oculodentodigital syndrome. Identifiers: Orphanet 2710, MedGen C0812437, MONDO:0008111, OMIM 164200.
Oculodentodigital dysplasia, autosomal recessive. Also called: OCULODENTOOSSEOUS DYSPLASIA, AUTOSOMAL RECESSIVE; ODDD, AUTOSOMAL RECESSIVE; ODOD, AUTOSOMAL RECESSIVE. Identifiers: Orphanet 2710, MedGen C2749477, MONDO:0009768, OMIM 257850.

Submissions (2):

Labcorp Genetics (formerly Invitae), Labcorp
Classification: Uncertain significance for Oculodentodigital dysplasia, autosomal recessive. Last evaluated: 2021-05-01. Review status: criteria provided, single submitter. Criteria: Invitae Variant Classification Sherloc (09022015). Collection method: clinical testing. Allele origin: germline.
Comment: In summary, the available evidence is currently insufficient to determine the role of this variant in disease. Therefore, it has been classified as a Variant of Uncertain Significance. Experimental studies and prediction algorithms are not available or were not evaluated, and the functional significance of this variant is currently unknown. This variant, c.120_131del, results in the deletion of 4 amino acid(s) of the GJA1 protein (p.Val41_Ala44del), but otherwise preserves the integrity of the reading frame. This variant is not present in population databases (ExAC no frequency). This variant has been observed in individual(s) with oculodentodigital dysplasia (PMID: 21670345, Invitae). It has also been observed to segregate with disease in related individuals. ClinVar contains an entry for this variant (Variation ID: 576300).

OMIM
Classification: Pathogenic for OCULODENTODIGITAL DYSPLASIA. Last evaluated: 2011-06-01. Review status: no assertion criteria provided. Collection method: literature only. Allele origin: germline. Not counted in ClinVar's aggregate classification.

Literature cited by the submitters: PubMed 21670345 (cited by Labcorp Genetics (formerly Invitae), Labcorp and OMIM).

NM_000165.5(GJA1):c.120_131del (p.Val41_Ala44del)

Gene: GJA1 (gap junction protein alpha 1; plus strand). Cytogenetic location: 6q22.31.
Variant type: Deletion.
Coding change: c.120_131del on transcript NM_000165.5 (MANE Select); coding-DNA positions 120 to 131, 12 bases deleted (GGTTGAGTCAGC).
Protein change: p.Val41_Ala44del.
Molecular consequence: inframe deletion.
Genome position (GRCh38, 1-based): chr6:121,446,967-121,446,978, GGTTGAGTCAGC deleted; deleting any 12 consecutive bases within chr6:121,446,963-121,446,978 gives the same sequence; the c. name uses the placement nearest the transcript's 3' end. VCF-style (leftmost placement, unchanged base first): chr6-121446962-ACAGCGGTTGAGT-A. GRCh37 (hg19) VCF-style: chr6-121768108-ACAGCGGTTGAGT-A.
Identifiers: ClinVar variation 576300 (VCV000576300.8), dbSNP rs1562173999, ClinGen allele CA891842804.
Genomic context (GRCh38, chr6:121,446,962, plus strand): 5'-ACTGCTGGAGGGAAGGTGTGGCTGTCAGTACTTTTCATTTTCCGAATCCTGCTGCTGGGG[ACAGCGGTTGAGT>A]CAGCCTGGGGAGATGAGCAGTCTGCCTTTCGTTGTAACACTCAGCAACCTGGTTGTGAAA-3'